The following is an entry in ClinVar:

ClinVar aggregate classification (germline): Uncertain significance (1 of 4 stars; one submission).

gnomAD v4.1: 1 of 1,613,972 alleles (0.000062%); highest among the groups gnomAD compares: South Asian, 0.0011%; no homozygotes.

Submission:

Mayo Clinic Laboratories, Mayo Clinic
Classification: Uncertain significance. Last evaluated: 2025-07-01. Review status: criteria provided, single submitter. Criteria: ACMG Guidelines, 2015. Collection method: clinical testing. Allele origin: germline. Observed: 1 variant allele.
Comment: BP4_moderate, PM2_supporting

NM_182916.3(TRNT1):c.1129G>C (p.Glu377Gln)

Gene: TRNT1 (tRNA nucleotidyl transferase 1; plus strand). Cytogenetic location: 3p26.2.
Variant type: single nucleotide variant.
Coding change: c.1129G>C on transcript NM_182916.3 (MANE Select); coding-DNA position 1129, G replaced by C.
Protein change: p.Glu377Gln; replaces glutamic acid 377 with glutamine.
Molecular consequence: missense variant. On other transcripts: non-coding transcript variant (8).
Genome position (GRCh38, 1-based): chr3:3,147,978, G>C. VCF-style: chr3-3147978-G-C. GRCh37 (hg19) VCF-style: chr3-3189662-G-C.
Other names: p.Glu377Gln; c.1069G>C, p.Glu357Gln (NM_001302946.2); c.1129G>C, p.Glu377Gln (NM_001367321.1, NM_001367322.1, NM_001367323.1); short protein forms E377Q, E357Q.
Identifiers: ClinVar variation 4540833 (VCV004540833.1).